The following is an entry in ClinVar:

NM_012254.3(SLC27A5):c.641C>T (p.Ala214Val)

Gene: SLC27A5 (solute carrier family 27 member 5; minus strand). Cytogenetic location: 19q13.43.
Variant type: single nucleotide variant.
Coding change: c.641C>T on transcript NM_012254.3 (MANE Select); coding-DNA position 641, C replaced by T.
Protein change: p.Ala214Val; replaces alanine 214 with valine.
Molecular consequence: missense variant. On other transcripts: intron variant (1).
Genome position (GRCh38, 1-based): chr19:58,511,315, G>A on the plus strand (C>T on the coding strand, the complement: SLC27A5 is on the minus strand). VCF-style: chr19-58511315-G-A. GRCh37 (hg19) VCF-style: chr19-59022682-G-A.
Other names: c.436+205C>T (NM_001321196.2); c.641C>T (NM_012254.2); short protein forms A214V.
Identifiers: ClinVar variation 193365 (VCV000193365.35), dbSNP rs113904799, ClinGen allele CA200523.

ClinVar aggregate classification (germline): Benign/Likely benign. Review status: criteria provided, multiple submitters, no conflicts (2 of 4 stars). 5 submissions from 5 submitters: Benign (2); Likely benign (2). 1 of the submissions does not count toward it. Last evaluated 2026-01-13.

Conditions:
SLC27A5-related disorder. Also called: SLC27A5-related condition.

Allele frequency attached by ClinVar (database versions not stated): 1000 Genomes Project 0.00220; 1000 Genomes Project 30x 0.00281; gnomAD 0.00340 and 0.00348; TOPMed 0.00370; gnomAD exomes 0.00404 and 0.00679; ExAC 0.00430; ESP Exome Variant Server 0.00586.
gnomAD v4.1: 10,234 of 1,588,664 alleles (0.64%); highest among the groups gnomAD compares: Non-Finnish European, 0.79%; 42 homozygotes.

Submissions (5):

Labcorp Genetics (formerly Invitae), Labcorp
Classification: Likely benign. Last evaluated: 2026-01-13. Review status: criteria provided, single submitter. Criteria: Invitae Variant Classification Sherloc (09022015). Collection method: clinical testing. Allele origin: germline.

CeGaT Center for Human Genetics Tuebingen
Classification: Likely benign. Last evaluated: 2024-08-01. Review status: criteria provided, single submitter. Criteria: CeGaT Center For Human Genetics Tuebingen Variant Classification Criteria Version 2. Collection method: clinical testing. Allele origin: germline. Affected: yes. Observed: 2 variant alleles.
Comment: SLC27A5: BP4, BS2

Eurofins Ntd Llc (ga)
Classification: Benign. Last evaluated: 2014-11-06. Review status: criteria provided, single submitter. Criteria: EGL Classification Definitions 2015. Collection method: clinical testing. Allele origin: germline. Observed: 1 variant allele, 1 heterozygote.

Breakthrough Genomics
Classification: Benign. Review status: criteria provided, single submitter. Criteria: ACMG Guidelines, 2015. Collection method: not provided. Allele origin: germline. Inheritance: Unknown mechanism. Affected: yes.

PreventionGenetics, part of Exact Sciences
Classification: Likely benign for SLC27A5-related condition. Last evaluated: 2021-03-08. Review status: no assertion criteria provided. Collection method: clinical testing. Allele origin: germline. Not counted in ClinVar's aggregate classification.
Comment: This variant is classified as likely benign based on ACMG/AMP sequence variant interpretation guidelines (Richards et al. 2015 PMID: 25741868, with internal and published modifications).